The following is an entry in ClinVar:

NM_080424.4(SP110):c.1955C>T (p.Thr652Met)

Gene: SP110 (SP110 nuclear body protein; minus strand). Cytogenetic location: 2q37.1.
Variant type: single nucleotide variant.
Coding change: c.1955C>T on transcript NM_080424.4 (MANE Select); coding-DNA position 1955, C replaced by T.
Protein change: p.Thr652Met; replaces threonine 652 with methionine.
Molecular consequence: missense variant. On other transcripts: intron variant (1).
Genome position (GRCh38, 1-based): chr2:230,170,694, G>A on the plus strand (C>T on the coding strand, the complement: SP110 is on the minus strand). VCF-style: chr2-230170694-G-A. GRCh37 (hg19) VCF-style: chr2-231035410-G-A.
Other names: c.2051C>T, p.Thr684Met (NM_001378442.1); c.2033C>T, p.Thr678Met (NM_001378443.1); c.1973C>T, p.Thr658Met (NM_001378444.1); c.1901C>T, p.Thr634Met (NM_001378445.1); c.1883C>T, p.Thr628Met (NM_004509.5); c.1833+1372C>T (NM_001378446.1); short protein forms T628M, T652M, T634M, T658M, T678M, T684M.
Identifiers: ClinVar variation 660055 (VCV000660055.6), dbSNP rs372023963, ClinGen allele CA2154290.

ClinVar aggregate classification (germline): Uncertain significance (1 of 4 stars; one submission).

Conditions:
Hepatic veno-occlusive disease-immunodeficiency syndrome. Also called: Hepatic Veno-Occlusive Disease with Immunodeficiency. Identifiers: Orphanet 79124, MedGen C1856128, MONDO:0009338, OMIM 235550. Disease mechanism: loss of function.

Allele frequency attached by ClinVar (database versions not stated): gnomAD 0.00001; gnomAD exomes 0.00002 and 0.00003; TOPMed 0.00002; ExAC 0.00003; ESP Exome Variant Server 0.00008.
gnomAD v4.1: 36 of 1,613,940 alleles (0.0022%); highest among the groups gnomAD compares: Middle Eastern, 0.016%; no homozygotes.

Submission:

Labcorp Genetics (formerly Invitae), Labcorp
Classification: Uncertain significance for Hepatic veno-occlusive disease-immunodeficiency syndrome. Last evaluated: 2022-07-30. Review status: criteria provided, single submitter. Criteria: Invitae Variant Classification Sherloc (09022015). Collection method: clinical testing. Allele origin: germline.
Comment: This sequence change replaces threonine, which is neutral and polar, with methionine, which is neutral and non-polar, at codon 628 of the SP110 protein (p.Thr628Met). This variant is present in population databases (rs372023963, gnomAD 0.006%). This variant has not been reported in the literature in individuals affected with SP110-related conditions. ClinVar contains an entry for this variant (Variation ID: 660055). Algorithms developed to predict the effect of missense changes on protein structure and function are either unavailable or do not agree on the potential impact of this missense change (SIFT: "Tolerated"; PolyPhen-2: "Possibly Damaging"; Align-GVGD: "Class C0"). In summary, the available evidence is currently insufficient to determine the role of this variant in disease. Therefore, it has been classified as a Variant of Uncertain Significance.